The following is an entry in ClinVar:

NM_001478.5(B4GALNT1):c.460G>A (p.Val154Ile)

Gene: B4GALNT1 (beta-1,4-N-acetyl-galactosaminyltransferase 1; minus strand). Cytogenetic location: 12q13.3.
Variant type: single nucleotide variant.
Coding change: c.460G>A on transcript NM_001478.5 (MANE Select); coding-DNA position 460, G replaced by A.
Protein change: p.Val154Ile; replaces valine 154 with isoleucine.
Molecular consequence: missense variant.
Genome position (GRCh38, 1-based): chr12:57,631,010, C>T on the plus strand (G>A on the coding strand, the complement: B4GALNT1 is on the minus strand). VCF-style: chr12-57631010-C-T. GRCh37 (hg19) VCF-style: chr12-58024793-C-T.
Other names: c.295G>A, p.Val99Ile (NM_001276468.2, NM_001413978.1); c.460G>A, p.Val154Ile (NM_001276469.2, NM_001413967.1, NM_001413968.1 and 9 more transcripts); c.-528G>A (NM_001413981.1, NM_001413982.1, NM_001413983.1 and 1 more transcripts); short protein forms V99I, V154I.
Identifiers: ClinVar variation 2056487 (VCV002056487.1), dbSNP rs761974785, ClinGen allele CA6655767.

ClinVar aggregate classification (germline): Uncertain significance (1 of 4 stars; one submission).

Conditions:
Spastic paraplegia. Identifiers: MedGen C0037772, HP:0001258.

Allele frequency attached by ClinVar (database versions not stated): ExAC 0.00001; gnomAD exomes 0.00003; gnomAD 0.00004.
gnomAD v4.1: 46 of 1,613,218 alleles (0.0029%); highest among the groups gnomAD compares: Non-Finnish European, 0.0039%; no homozygotes.

Submission:

Labcorp Genetics (formerly Invitae), Labcorp
Classification: Uncertain significance for Spastic paraplegia. Last evaluated: 2022-07-02. Review status: criteria provided, single submitter. Criteria: Invitae Variant Classification Sherloc (09022015). Collection method: clinical testing. Allele origin: germline.
Comment: This sequence change replaces valine, which is neutral and non-polar, with isoleucine, which is neutral and non-polar, at codon 154 of the B4GALNT1 protein (p.Val154Ile). This variant is present in population databases (rs761974785, gnomAD 0.006%). This variant has not been reported in the literature in individuals affected with B4GALNT1-related conditions. Algorithms developed to predict the effect of missense changes on protein structure and function are either unavailable or do not agree on the potential impact of this missense change (SIFT: "Deleterious"; PolyPhen-2: "Benign"; Align-GVGD: "Class C0"). In summary, the available evidence is currently insufficient to determine the role of this variant in disease. Therefore, it has been classified as a Variant of Uncertain Significance.